The following is an entry in ClinVar:

NM_000124.4(ERCC6):c.2827C>T (p.Gln943Ter)

Genes: ERCC6 (ERCC excision repair 6, chromatin remodeling factor; minus strand), LOC126860933 (BRD4-independent group 4 enhancer GRCh37_chr10:50679962-50681161; plus strand). Cytogenetic location: 10q11.23.
Variant type: single nucleotide variant.
Coding change: c.2827C>T on transcript NM_000124.4 (MANE Select); coding-DNA position 2827, C replaced by T.
Protein change: p.Gln943Ter; replaces glutamine 943 with a stop codon.
Molecular consequence: nonsense.
Genome position (GRCh38, 1-based): chr10:49,472,911, G>A on the plus strand (C>T on the coding strand, the complement: ERCC6 is on the minus strand). VCF-style: chr10-49472911-G-A. GRCh37 (hg19) VCF-style: chr10-50680957-G-A.
Other names: c.2827C>T, p.Gln943Ter (NM_001346440.2); short protein forms Q943*.
Identifiers: ClinVar variation 1455190 (VCV001455190.8), dbSNP rs2132540177, ClinGen allele CA376718907.
Genomic context (GRCh38, chr10:49,472,911, plus strand): 5'-TAACCATGAAACTATATTTCTACTAATACATTCTTTTAAAAAAAAAATAAAAACAAACCT[G>A]CGTGTCCGTGCTTGGGTTCCAGTCTGGGTCATAGATGACAACTCTGTTTGCCCCCGTCAG-3'

ClinVar aggregate classification (germline): Pathogenic (1 of 4 stars; one submission).

Submission:

Labcorp Genetics (formerly Invitae), Labcorp
Classification: Pathogenic. Last evaluated: 2023-09-03. Review status: criteria provided, single submitter. Criteria: Invitae Variant Classification Sherloc (09022015). Collection method: clinical testing. Allele origin: germline.
Comment: For these reasons, this variant has been classified as Pathogenic. Algorithms developed to predict the effect of sequence changes on RNA splicing suggest that this variant may create or strengthen a splice site. ClinVar contains an entry for this variant (Variation ID: 1455190). This premature translational stop signal has been observed in individual(s) with clinical features of Cockayne syndrome (PMID: 29572252). This variant is not present in population databases (gnomAD no frequency). This sequence change creates a premature translational stop signal (p.Gln943*) in the ERCC6 gene. It is expected to result in an absent or disrupted protein product. Loss-of-function variants in ERCC6 are known to be pathogenic (PMID: 18628313, 29572252).

Literature cited by the submitters: PubMed 29572252; PubMed 18628313.